The following is an entry in ClinVar:

NM_001035.3(RYR2):c.11775+310T>A

Gene: RYR2 (ryanodine receptor 2; plus strand). Cytogenetic location: 1q43.
Variant type: single nucleotide variant.
Coding change: c.11775+310T>A on transcript NM_001035.3 (MANE Select); 310 bases into the intron after coding-DNA position 11775, T replaced by A.
Molecular consequence: intron variant.
Genome position (GRCh38, 1-based): chr1:237,773,958, T>A. VCF-style: chr1-237773958-T-A. GRCh37 (hg19) VCF-style: chr1-237937258-T-A.
Identifiers: ClinVar variation 669856 (VCV000669856.1), dbSNP rs188016465, ClinGen allele CA39818176.
Genomic context (GRCh38, chr1:237,773,958, plus strand): 5'-GGTATATGTATTAAGCACTTAGTAAATATTAAGGAAGGAAGGGCGAGCAGGCACAACATT[T>A]AACCATTCTTTCTGGTATTCCACTAAAAGTGGGAAGAAGTTTCATAGAAACTTAAGAAAG-3'

ClinVar aggregate classification (germline): Likely benign (1 of 4 stars; one submission).

Allele frequency attached by ClinVar (database versions not stated): 1000 Genomes Project 0.00998; gnomAD 0.01019 and 0.01032; 1000 Genomes Project 30x 0.01046; TOPMed 0.01109.
gnomAD v4.1: 1,618 of 152,316 alleles (1.1%); highest among the groups gnomAD compares: Middle Eastern, 2%; 16 homozygotes.

Submission:

GeneDx
Classification: Likely benign. Last evaluated: 2018-06-18. Review status: criteria provided, single submitter. Criteria: GeneDx Variant Classification (06012015). Collection method: clinical testing. Allele origin: germline. Affected: yes.
Comment: This variant is considered likely benign or benign based on one or more of the following criteria: it is a conservative change, it occurs at a poorly conserved position in the protein, it is predicted to be benign by multiple in silico algorithms, and/or has population frequency not consistent with disease.